The following is an entry in ClinVar:

NM_000083.3(CLCN1):c.37C>A (p.Gln13Lys)

Gene: CLCN1 (chloride voltage-gated channel 1; plus strand). Cytogenetic location: 7q34.
Variant type: single nucleotide variant.
Coding change: c.37C>A on transcript NM_000083.3 (MANE Select); coding-DNA position 37, C replaced by A.
Protein change: p.Gln13Lys; replaces glutamine 13 with lysine.
Molecular consequence: missense variant. On other transcripts: non-coding transcript variant (1).
Genome position (GRCh38, 1-based): chr7:143,316,249, C>A. VCF-style: chr7-143316249-C-A. GRCh37 (hg19) VCF-style: chr7-143013342-C-A.
Other names: short protein forms Q13K.
Identifiers: ClinVar variation 422402 (VCV000422402.14), dbSNP rs143025648, ClinGen allele CA4536805.
Genomic context (GRCh38, chr7:143,316,249, plus strand): 5'-GGCCGGGGCTCGGGGGGAGGGAATATGGAGCAATCCCGGTCACAGCAGCGTGGGGGTGAA[C>A]AAAGCTGGTGGGGTAGTGACCCCCAGTACCAGTATATGCCCTTTGAACACTGCACCAGCT-3'
Protein context (NP_000074.3, residues 3-23): QSRSQQRGGE[Gln13Lys]SWWGSDPQYQ

ClinVar aggregate classification (germline): Uncertain significance. Review status: criteria provided, multiple submitters, no conflicts (2 of 4 stars). 4 submissions from 4 submitters: Uncertain significance (4). Last evaluated 2025-11-18.

Conditions:
Inborn genetic diseases. Identifiers: MedGen C0950123, MeSH D030342.
Congenital myotonia, autosomal recessive form. Also called: myotonia congenita, autosomal recessive; BECKER DISEASE; Becker Generalized Myotonia. Identifiers: Orphanet 614, MedGen C0751360, MONDO:0009715, OMIM 255700.
Congenital myotonia, autosomal dominant form (THD). Also called: THOMSEN DISEASE; Myotonia congenita autosomal dominant. Identifiers: Orphanet 614, MedGen C2936781, MONDO:0008055, OMIM 160800.

Allele frequency attached by ClinVar (database versions not stated): gnomAD exomes 0.00003; ExAC 0.00004; TOPMed 0.00004; gnomAD 0.00006; ESP Exome Variant Server 0.00008.
gnomAD v4.1: 110 of 1,613,626 alleles (0.0068%); highest among the groups gnomAD compares: Non-Finnish European, 0.0082%; no homozygotes.

Submissions (4):

Labcorp Genetics (formerly Invitae), Labcorp
Classification: Uncertain significance for Congenital myotonia, autosomal recessive form; Congenital myotonia, autosomal dominant form. Last evaluated: 2025-11-18. Review status: criteria provided, single submitter. Criteria: Invitae Variant Classification Sherloc (09022015). Collection method: clinical testing. Allele origin: germline.
Comment: This sequence change replaces glutamine, which is neutral and polar, with lysine, which is basic and polar, at codon 13 of the CLCN1 protein (p.Gln13Lys). This variant is present in population databases (rs143025648, gnomAD 0.006%). This variant has not been reported in the literature in individuals affected with CLCN1-related conditions. ClinVar contains an entry for this variant (Variation ID: 422402). Invitae Evidence Modeling of protein sequence and biophysical properties (such as structural, functional, and spatial information, amino acid conservation, physicochemical variation, residue mobility, and thermodynamic stability) has been performed for this missense variant. However, the output from this modeling did not meet the statistical confidence thresholds required to predict the impact of this variant on CLCN1 protein function. In summary, the available evidence is currently insufficient to determine the role of this variant in disease. Therefore, it has been classified as a Variant of Uncertain Significance.

Ambry Genetics
Classification: Uncertain significance for Inborn genetic diseases. Last evaluated: 2025-08-21. Review status: criteria provided, single submitter. Criteria: Ambry Variant Classification Scheme 2023. Collection method: clinical testing. Allele origin: germline.

Revvity Omics, Revvity
Classification: Uncertain significance. Last evaluated: 2021-09-13. Review status: criteria provided, single submitter. Criteria: ACMG Guidelines, 2015. Collection method: clinical testing. Allele origin: germline.

GeneDx
Classification: Uncertain significance. Last evaluated: 2016-10-21. Review status: criteria provided, single submitter. Criteria: GeneDx Variant Classification (06012015). Collection method: clinical testing. Allele origin: germline. Affected: yes.
Comment: A variant of uncertain significance has been identified in the CLCN1 gene. The Q13K variant has not been published as a pathogenic variant, nor has it been reported as a benign variant to our knowledge. It was not observed with any significant frequency in approximately 6,500 individuals of European and African American ancestry in the NHLBI Exome Sequencing Project. The Q13K variant is a semi-conservative amino acid substitution, which may impact secondary protein structure as these residues differ in some properties. However, this substitution occurs at a position that is not conserved and in silico analysis is inconsistent in its predictions as to whether or not the variant is damaging to the protein structure/function. Therefore, based on the currently available information, it is unclear whether this variant is a pathogenic variant or a rare benign variant.